The following is an entry in ClinVar:

ClinVar aggregate classification (germline): Uncertain significance. Review status: criteria provided, multiple submitters, no conflicts (2 of 4 stars). 2 submissions from 2 submitters: Uncertain significance (2). Last evaluated 2024-05-16.

Conditions:
Inborn genetic diseases. Identifiers: MedGen C0950123, MeSH D030342.

Allele frequency attached by ClinVar (database versions not stated): TOPMed below 0.00001; gnomAD 0.00001; gnomAD exomes 0.00001.
gnomAD v4.1: 17 of 1,613,988 alleles (0.0011%); highest among the groups gnomAD compares: Middle Eastern, 0.033%; no homozygotes.

Submissions (2):

Ambry Genetics
Classification: Uncertain significance for Inborn genetic diseases. Last evaluated: 2024-05-16. Review status: criteria provided, single submitter. Criteria: Ambry Variant Classification Scheme 2023. Collection method: clinical testing. Allele origin: germline.

Labcorp Genetics (formerly Invitae), Labcorp
Classification: Uncertain significance. Last evaluated: 2023-12-23. Review status: criteria provided, single submitter. Criteria: Invitae Variant Classification Sherloc (09022015). Collection method: clinical testing. Allele origin: germline.
Comment: This sequence change replaces leucine, which is neutral and non-polar, with serine, which is neutral and polar, at codon 585 of the BAZ2B protein (p.Leu585Ser). This variant is not present in population databases (gnomAD no frequency). This variant has not been reported in the literature in individuals affected with BAZ2B-related conditions. Experimental studies and prediction algorithms are not available or were not evaluated, and the functional significance of this variant is currently unknown. In summary, the available evidence is currently insufficient to determine the role of this variant in disease. Therefore, it has been classified as a Variant of Uncertain Significance.

NM_013450.4(BAZ2B):c.1760T>C (p.Leu587Ser)

Gene: BAZ2B (bromodomain adjacent to zinc finger domain 2B; minus strand). Cytogenetic location: 2q24.2.
Variant type: single nucleotide variant.
Coding change: c.1760T>C on transcript NM_013450.4 (MANE Select); coding-DNA position 1760, T replaced by C.
Protein change: p.Leu587Ser; replaces leucine 587 with serine.
Molecular consequence: missense variant.
Genome position (GRCh38, 1-based): chr2:159,432,897, A>G on the plus strand (T>C on the coding strand, the complement: BAZ2B is on the minus strand). VCF-style: chr2-159432897-A-G. GRCh37 (hg19) VCF-style: chr2-160289408-A-G.
Other names: c.1760T>C (NM_013450.2); c.1754T>C, p.Leu585Ser (NM_001289975.1); c.1571T>C, p.Leu524Ser (NM_001329857.2); c.1760T>C, p.Leu587Ser (NM_001329858.2); short protein forms L587S, L524S, L585S.
Identifiers: ClinVar variation 2720567 (VCV002720567.4), dbSNP rs868408563, ClinGen allele CA58721248.
Genomic context (GRCh38, chr2:159,432,897, plus strand): 5'-GAATCTTCAGAATCTTTACTACTGGGAATGTCTGAATCTGTTCCTCTGAATTGTTCCACT[A>G]AAGATTTTGCAGGATGGGAGTGATGCTGTGTTTTTACTGGGTTTACATTATTGCTAACTG-3'
Protein context (NP_038478.2, residues 577-597): TQHHSHPAKS[Leu587Ser]VEQFRGTDSD